The following is an entry in ClinVar:

ClinVar aggregate classification (germline): Conflicting classifications of pathogenicity. Review status: criteria provided, conflicting classifications (1 of 4 stars). 4 submissions from 4 submitters: Uncertain significance (3); Likely benign (1). Last evaluated 2026-06-27.

Conditions:
ABCC6-related disorder. Also called: ABCC6-related condition.

Allele frequency attached by ClinVar (database versions not stated): gnomAD 0.00003 and 0.00004; gnomAD exomes 0.00003 and 0.00006; TOPMed 0.00005; ESP Exome Variant Server 0.00008; ExAC 0.00009.
gnomAD v4.1: 51 of 1,611,960 alleles (0.0032%); highest among the groups gnomAD compares: Non-Finnish European, 0.0041%; no homozygotes.

Submissions (4):

PreventionGenetics, part of Exact Sciences
Classification: Uncertain significance for ABCC6-related condition. Last evaluated: 2026-06-27. Review status: criteria provided, single submitter. Criteria: ACMG Guidelines, 2015. Collection method: clinical testing. Allele origin: germline.
Comment: The ABCC6 c.3751C>T variant is predicted to result in the amino acid substitution p.Pro1251Ser. To our knowledge, this variant has not been reported in the literature in association with disease. This variant is reported in 0.012% of alleles in individuals of European (Non-Finnish) descent in gnomAD. At this time, the clinical significance of this variant is uncertain due to the absence of conclusive functional and genetic evidence.

Labcorp Genetics (formerly Invitae), Labcorp
Classification: Likely benign. Last evaluated: 2025-08-25. Review status: criteria provided, single submitter. Criteria: Invitae Variant Classification Sherloc (09022015). Collection method: clinical testing. Allele origin: germline.

Blueprint Genetics
Classification: Uncertain significance. Last evaluated: 2024-10-10. Review status: criteria provided, single submitter. Criteria: ACMG Guidelines, 2015. Collection method: clinical testing. Allele origin: germline.

CeGaT Center for Human Genetics Tuebingen
Classification: Uncertain significance. Last evaluated: 2024-02-01. Review status: criteria provided, single submitter. Criteria: CeGaT Center For Human Genetics Tuebingen Variant Classification Criteria Version 2. Collection method: clinical testing. Allele origin: germline. Affected: yes. Observed: 5 variant alleles.
Comment: ABCC6: PM2

NM_001171.6(ABCC6):c.3751C>T (p.Pro1251Ser)

Gene: ABCC6 (ATP binding cassette subfamily C member 6; minus strand). Cytogenetic location: 16p13.11.
Variant type: single nucleotide variant.
Coding change: c.3751C>T on transcript NM_001171.6 (MANE Select); coding-DNA position 3751, C replaced by T.
Protein change: p.Pro1251Ser; replaces proline 1251 with serine.
Molecular consequence: missense variant. On other transcripts: non-coding transcript variant (1).
Genome position (GRCh38, 1-based): chr16:16,157,794, G>A on the plus strand (C>T on the coding strand, the complement: ABCC6 is on the minus strand). VCF-style: chr16-16157794-G-A. GRCh37 (hg19) VCF-style: chr16-16251651-G-A.
Other names: c.3409C>T, p.Pro1137Ser (NM_001351800.1); c.3751C>T (NM_001171.5); short protein forms P1137S, P1251S.
Identifiers: ClinVar variation 808009 (VCV000808009.49), dbSNP rs148326870, ClinGen allele CA7925430.
Genomic context (GRCh38, chr16:16,157,794, plus strand): 5'-CAAAGTCCCGGAACTCGATCTGCCCGCCCTGAGGCCAGGGGGGCTGAGCTGCACATGTGG[G>A]CAGCCTCCAGGGAGCCTGGAGCAGGAGGGGAAACTGAGTCAGAGGAGCCTTCCTCTAAGA-3'
Protein context (NP_001162.5, residues 1241-1261): WTPKEAPWRL[Pro1251Ser]TCAAQPPWPQ